The following is an entry in ClinVar:

ClinVar aggregate classification (germline): Likely benign. Review status: criteria provided, multiple submitters, no conflicts (2 of 4 stars). 3 submissions from 3 submitters: Likely benign (2). 1 of the submissions does not count toward it. Last evaluated 2024-11-07.

Conditions:
CUBN-related disorder. Also called: CUBN-related condition.
Imerslund-Grasbeck syndrome. Also called: Imerslund-Gräsbeck syndrome; ENTEROCYTE COBALAMIN MALABSORPTION; ENTEROCYTE INTRINSIC FACTOR RECEPTOR, DEFECT OF; PERNICIOUS ANEMIA, JUVENILE, DUE TO SELECTIVE INTESTINAL MALABSORPTION OF VITAMIN B12, WITH PROTEINURIA; Megaloblastic anemia due to inborn errors of metabolism. Identifiers: Orphanet 35858, MedGen C4551825, MONDO:0009853.

Allele frequency attached by ClinVar (database versions not stated): ESP Exome Variant Server 0.00008.

Submissions (3):

Labcorp Genetics (formerly Invitae), Labcorp
Classification: Likely benign for Imerslund-Grasbeck syndrome. Last evaluated: 2024-11-07. Review status: criteria provided, single submitter. Criteria: Invitae Variant Classification Sherloc (09022015). Collection method: clinical testing. Allele origin: germline.

Blueprint Genetics
Classification: Likely benign. Last evaluated: 2023-12-07. Review status: criteria provided, single submitter. Criteria: ACMG Guidelines, 2015. Collection method: clinical testing. Allele origin: germline.

PreventionGenetics, part of Exact Sciences
Classification: Likely benign for CUBN-related condition. Last evaluated: 2022-12-19. Review status: no assertion criteria provided. Collection method: clinical testing. Allele origin: germline. Not counted in ClinVar's aggregate classification.
Comment: This variant is classified as likely benign based on ACMG/AMP sequence variant interpretation guidelines (Richards et al. 2015 PMID: 25741868, with internal and published modifications).

NM_001081.4(CUBN):c.9207C>T (p.Thr3069=)

Gene: CUBN (cubilin; minus strand). Cytogenetic location: 10p13.
Variant type: single nucleotide variant.
Coding change: c.9207C>T on transcript NM_001081.4 (MANE Select); coding-DNA position 9207, C replaced by T.
Protein change: p.Thr3069=; no amino-acid change (threonine 3069 retained).
Molecular consequence: synonymous variant.
Genome position (GRCh38, 1-based): chr10:16,874,403, G>A on the plus strand (C>T on the coding strand, the complement: CUBN is on the minus strand). VCF-style: chr10-16874403-G-A. GRCh37 (hg19) VCF-style: chr10-16916402-G-A.
Other names: c.9207C>T (NM_001081.3).
Identifiers: ClinVar variation 1646390 (VCV001646390.11), dbSNP rs117936668, ClinGen allele CA5422788.